The following is an entry in ClinVar:

NM_005591.4(MRE11):c.388G>A (p.Asp130Asn)

Gene: MRE11 (MRE11 double strand break repair nuclease; minus strand). Cytogenetic location: 11q21.
Variant type: single nucleotide variant.
Coding change: c.388G>A on transcript NM_005591.4 (MANE Select); coding-DNA position 388, G replaced by A.
Protein change: p.Asp130Asn; replaces aspartic acid 130 with asparagine.
Molecular consequence: missense variant.
Genome position (GRCh38, 1-based): chr11:94,479,688, C>T on the plus strand (G>A on the coding strand, the complement: MRE11 is on the minus strand). VCF-style: chr11-94479688-C-T. GRCh37 (hg19) VCF-style: chr11-94212854-C-T.
Other names: c.388G>A, p.Asp130Asn (NM_001330347.2, NM_005590.4); short protein forms D130N.
Identifiers: ClinVar variation 658945 (VCV000658945.8), dbSNP rs1591708529, ClinGen allele CA382378293.
Genomic context (GRCh38, chr11:94,479,688, plus strand): 5'-TGATCATTTCCAAAATTCCAACAAACTCTAAGAAAACAATAATTACCCCTGTGGGATCGT[C>T]ATGATTGCCATGAATACTAAACACTGGAATTGAAATGTTGAGGTTGCCATCTTGATAGTT-3'
Protein context (NP_005582.1, residues 120-140): IPVFSIHGNH[Asp130Asn]DPTGADALCA

ClinVar aggregate classification (germline): Uncertain significance (1 of 4 stars; one submission).

Conditions:
Ataxia-telangiectasia-like disorder (ATLD). Identifiers: MedGen C1858391, MONDO:0011457.

Submission:

Labcorp Genetics (formerly Invitae), Labcorp
Classification: Uncertain significance for Ataxia-telangiectasia-like disorder. Last evaluated: 2018-09-30. Review status: criteria provided, single submitter. Criteria: Invitae Variant Classification Sherloc (09022015). Collection method: clinical testing. Allele origin: germline.
Comment: This sequence change replaces aspartic acid with asparagine at codon 130 of the MRE11 protein (p.Asp130Asn). The aspartic acid residue is highly conserved and there is a small physicochemical difference between aspartic acid and asparagine. In summary, the available evidence is currently insufficient to determine the role of this variant in disease. Therefore, it has been classified as a Variant of Uncertain Significance. Algorithms developed to predict the effect of missense changes on protein structure and function are either unavailable or do not agree on the potential impact of this missense change (SIFT: "Deleterious"; PolyPhen-2: "Benign"; Align-GVGD: "Class C15"). This variant has not been reported in the literature in individuals with MRE11-related disease. This variant is not present in population databases (ExAC no frequency).